The following is an entry in ClinVar:

ClinVar aggregate classification (germline): Uncertain significance (1 of 4 stars; one submission).

Conditions:
LEO1-related disorder. Also called: LEO1-related condition.

Allele frequency attached by ClinVar (database versions not stated): ExAC 0.00001; gnomAD 0.00001.
gnomAD v4.1: 7 of 1,613,942 alleles (0.00043%); highest among the groups gnomAD compares: Middle Eastern, 0.017%; no homozygotes.

Submission:

PreventionGenetics, part of Exact Sciences
Classification: Uncertain significance for LEO1-related condition. Last evaluated: 2022-09-16. Review status: criteria provided, single submitter. Criteria: ACMG Guidelines, 2015. Collection method: clinical testing. Allele origin: germline.
Comment: The LEO1 c.1721G>A variant is predicted to result in the amino acid substitution p.Arg574Gln. To our knowledge, this variant has not been reported in the literature. This variant is reported in 0.0062% of alleles in individuals of African descent in gnomAD. At this time, the clinical significance of this variant is uncertain due to the absence of conclusive functional and genetic evidence.

NM_138792.4(LEO1):c.1721G>A (p.Arg574Gln)

Gene: LEO1 (LEO1 homolog, Paf1/RNA polymerase II complex component; minus strand). Cytogenetic location: 15q21.2.
Variant type: single nucleotide variant.
Coding change: c.1721G>A on transcript NM_138792.4 (MANE Select); coding-DNA position 1721, G replaced by A.
Protein change: p.Arg574Gln; replaces arginine 574 with glutamine.
Molecular consequence: missense variant.
Genome position (GRCh38, 1-based): chr15:51,949,885, C>T on the plus strand (G>A on the coding strand, the complement: LEO1 is on the minus strand). VCF-style: chr15-51949885-C-T. GRCh37 (hg19) VCF-style: chr15-52242082-C-T.
Other names: c.1541G>A, p.Arg514Gln (NM_001286430.2); c.1721G>A, p.Arg574Gln (NM_001323903.2, NM_001323904.2); short protein forms R514Q, R574Q.
Identifiers: ClinVar variation 2632018 (VCV002632018.1), dbSNP rs777389009, ClinGen allele CA7564388.
Genomic context (GRCh38, chr15:51,949,885, plus strand): 5'-TATCGGTTTTTAATGGCAGCCAAGCTGATGGACTCCTCGCCTTCCTCCTCCTCATCGTAT[C>T]GATCAGGTTCCAGGTAACTGGCGCTCAGCCCCCGCTGGTGCTGTTTCTCTCTCATTCGGC-3'
Protein context (NP_620147.1, residues 564-584): GLSASYLEPD[Arg574Gln]YDEEEEGEES